The following is an entry in ClinVar:

NM_004360.5(CDH1):c.870C>T (p.Asp290=)

Gene: CDH1 (cadherin 1; plus strand). Cytogenetic location: 16q22.1.
Variant type: single nucleotide variant.
Coding change: c.870C>T on transcript NM_004360.5 (MANE Select); coding-DNA position 870, C replaced by T.
Protein change: p.Asp290=; no amino-acid change (aspartic acid 290 retained).
Molecular consequence: synonymous variant. On other transcripts: 5 prime UTR variant (2).
Genome position (GRCh38, 1-based): chr16:68,811,721, C>T. VCF-style: chr16-68811721-C-T. GRCh37 (hg19) VCF-style: chr16-68845624-C-T.
Other names: c.870C>T (LRG_301t1); c.870C>T, p.Asp290= (NM_001317184.2); c.-746C>T (NM_001317185.2); c.-950C>T (NM_001317186.2).
Identifiers: ClinVar variation 185112 (VCV000185112.25), dbSNP rs755215407, ClinGen allele CA191069.

ClinVar aggregate classification (germline): Benign/Likely benign. Review status: criteria provided, multiple submitters, no conflicts (2 of 4 stars). 8 submissions from 8 submitters: Benign (3); Likely benign (5). Last evaluated 2025-12-22.

Conditions:
CDH1-related diffuse gastric and lobular breast cancer syndrome. Also called: CDH1-related diffuse gastric and lobular breast cancer. Identifiers: MedGen CN311521, MONDO:0100488.
Hereditary cancer-predisposing syndrome. Also called: Tumor predisposition; Hereditary Cancer Syndrome; Hereditary neoplastic syndrome; Neoplastic Syndromes, Hereditary. Identifiers: Orphanet 140162, MedGen C0027672, MeSH D009386, MONDO:0015356.
Hereditary diffuse gastric adenocarcinoma (HDGC). Also called: DIFFUSE GASTRIC AND LOBULAR BREAST CANCER SYNDROME. Identifiers: Orphanet 26106, MedGen C1708349, MONDO:0007648, OMIM 137215.

Allele frequency attached by ClinVar (database versions not stated): gnomAD 0.00001; gnomAD exomes 0.00001 and 0.00002; TOPMed 0.00001; ExAC 0.00002.
gnomAD v4.1: 11 of 1,613,940 alleles (0.00068%); highest among the groups gnomAD compares: Admixed American, 0.012%; no homozygotes.

Submissions (8):

Labcorp Genetics (formerly Invitae), Labcorp
Classification: Likely benign for Hereditary diffuse gastric adenocarcinoma. Last evaluated: 2025-12-22. Review status: criteria provided, single submitter. Criteria: Invitae Variant Classification Sherloc (09022015). Collection method: clinical testing. Allele origin: germline.

Center for Genomic Medicine, Rigshospitalet, Copenhagen University Hospital
Classification: Likely benign. Last evaluated: 2025-03-04. Review status: criteria provided, single submitter. Criteria: ACMG Guidelines, 2015. Collection method: clinical testing. Allele origin: germline.

Myriad Genetics, Inc.
Classification: Benign for Hereditary diffuse gastric adenocarcinoma. Last evaluated: 2024-09-16. Review status: criteria provided, single submitter. Criteria: Myriad Autosomal Dominant, Autosomal Recessive and X-Linked Classification Criteria (2023). Collection method: clinical testing. Allele origin: unknown.
Comment: This variant is considered benign. This variant is a silent/synonymous amino acid change and it is not expected to impact splicing.

Quest Diagnostics Nichols Institute San Juan Capistrano
Classification: Benign. Last evaluated: 2023-01-02. Review status: criteria provided, single submitter. Criteria: Quest Diagnostics criteria. Collection method: clinical testing. Allele origin: unknown.

Department of Pathology and Laboratory Medicine, Sinai Health System
Classification: Likely benign for CDH1-related diffuse gastric and lobular breast cancer syndrome. Last evaluated: 2022-07-04. Review status: criteria provided, single submitter. Criteria: ACMG Guidelines, 2015. Collection method: clinical testing. Allele origin: germline. Affected: no.

Color Diagnostics, LLC DBA Color Health
Classification: Likely benign for Hereditary cancer-predisposing syndrome. Last evaluated: 2018-10-19. Review status: criteria provided, single submitter. Criteria: ACMG Guidelines, 2015. Collection method: clinical testing. Allele origin: germline.

GeneDx
Classification: Benign. Last evaluated: 2015-09-14. Review status: criteria provided, single submitter. Criteria: GeneDx Variant Classification (06012015). Collection method: clinical testing. Allele origin: germline. Affected: yes.
Comment: This variant is considered likely benign or benign based on one or more of the following criteria: it is a conservative change, it occurs at a poorly conserved position in the protein, it is predicted to be benign by multiple in silico algorithms, and/or has population frequency not consistent with disease.

Ambry Genetics
Classification: Likely benign for Hereditary cancer-predisposing syndrome. Last evaluated: 2015-01-23. Review status: criteria provided, single submitter. Criteria: Ambry Variant Classification Scheme 2023. Collection method: clinical testing. Allele origin: germline.